The following is an entry in ClinVar:

ClinVar aggregate classification (germline): Uncertain significance (1 of 4 stars; one submission).

Allele frequency attached by ClinVar (database versions not stated): gnomAD exomes below 0.00001 and 0.00002; TOPMed 0.00001; ExAC 0.00002; gnomAD 0.00002.
gnomAD v4.1: 9 of 1,595,230 alleles (0.00056%); highest among the groups gnomAD compares: Admixed American, 0.0051%; no homozygotes.

Submission:

Labcorp Genetics (formerly Invitae), Labcorp
Classification: Uncertain significance. Last evaluated: 2021-09-24. Review status: criteria provided, single submitter. Criteria: Invitae Variant Classification Sherloc (09022015). Collection method: clinical testing. Allele origin: germline.
Comment: This sequence change replaces arginine with cysteine at codon 296 of the LTBP2 protein (p.Arg296Cys). The arginine residue is highly conserved and there is a large physicochemical difference between arginine and cysteine. This variant is present in population databases (rs767338591, ExAC 0.009%). This variant has not been reported in the literature in individuals with LTBP2-related conditions. Algorithms developed to predict the effect of missense changes on protein structure and function (SIFT, PolyPhen-2, Align-GVGD) all suggest that this variant is likely to be disruptive, but these predictions have not been confirmed by published functional studies and their clinical significance is uncertain. In summary, the available evidence is currently insufficient to determine the role of this variant in disease. Therefore, it has been classified as a Variant of Uncertain Significance.

NM_000428.3(LTBP2):c.886C>T (p.Arg296Cys)

Gene: LTBP2 (latent transforming growth factor beta binding protein 2; minus strand). Cytogenetic location: 14q24.3.
Variant type: single nucleotide variant.
Coding change: c.886C>T on transcript NM_000428.3 (MANE Select); coding-DNA position 886, C replaced by T.
Protein change: p.Arg296Cys; replaces arginine 296 with cysteine.
Molecular consequence: missense variant.
Genome position (GRCh38, 1-based): chr14:74,555,638, G>A on the plus strand (C>T on the coding strand, the complement: LTBP2 is on the minus strand). VCF-style: chr14-74555638-G-A. GRCh37 (hg19) VCF-style: chr14-75022341-G-A.
Other names: short protein forms R296C.
Identifiers: ClinVar variation 1509720 (VCV001509720.5), dbSNP rs767338591, ClinGen allele CA7270056.